The following is an entry in ClinVar:

ClinVar aggregate classification (germline): Likely pathogenic (1 of 4 stars; one submission).

Conditions:
Mitochondrial complex I deficiency, nuclear type 3. Also called: Mitochondrial complex 1 deficiency, nuclear type 3. Identifiers: MedGen C4748752, MONDO:0032608, OMIM 618224.

gnomAD v4.1: 7 of 1,612,664 alleles (0.00043%); highest among the groups gnomAD compares: Non-Finnish European, 0.00059%; no homozygotes.

Submission:

Victorian Clinical Genetics Services, Murdoch Childrens Research Institute
Classification: Likely pathogenic for Mitochondrial complex I deficiency, nuclear type 3. Last evaluated: 2024-10-09. Review status: criteria provided, single submitter. Criteria: ACMG Guidelines, 2015. Collection method: clinical testing. Allele origin: germline. Inheritance: Autosomal recessive inheritance. Affected: yes.
Comment: Based on the classification scheme VCGS_Germline_v1.3.4, this variant is classified as Likely Pathogenic. Following criteria are met: 0102 - Loss of function is a known mechanism of disease in this gene and is associated with mitochondrial complex I deficiency, nuclear type 3 (MIM# 618224). (I) 0106 - This gene is associated with autosomal recessive disease. (I) 0200 - Variant is predicted to result in a missense amino acid change from aspartic acid to asparagine. (I) 0251 - This variant is heterozygous. (I) 0301 - Variant is absent from gnomAD (both v2 and v3). (SP) 0501 - Missense variant consistently predicted to be damaging by multiple in silico tools or highly conserved with a major amino acid change. (SP) 0600 - Variant is located in the annotated NADH-quinone oxidoreductase domain (NCBI). (I) 0705 - No comparable missense variants have previous evidence for pathogenicity. (I) 0807 - This variant has no previous evidence of pathogenicity. (I) 0903 - Low evidence for segregation with disease. (I) 1006 - Research laboratory assay shows abnormal function of product not specific to the gene. Patient samples demonstrated both defective Complex I protein expression and enzymatic activities (MCRI Brain and Mitochondrial Laboratory). (SP) 1102 - Strong phenotype match for this individual. (SP) 1201 - Heterozygous variant detected in trans with a second likely pathogenic heterozygous variant (NM_024407.4: c.256C>G; p.(Leu86Val)) in a recessive disease. (I) Legend: (SP) - Supporting pathogenic, (I) - Information, (SB) - Supporting benign

NM_024407.5(NDUFS7):c.304G>A (p.Asp102Asn)

Gene: NDUFS7 (NADH:ubiquinone oxidoreductase core subunit S7; plus strand). Cytogenetic location: 19p13.3.
Variant type: single nucleotide variant.
Coding change: c.304G>A on transcript NM_024407.5 (MANE Select); coding-DNA position 304, G replaced by A.
Protein change: p.Asp102Asn; replaces aspartic acid 102 with asparagine.
Molecular consequence: missense variant.
Genome position (GRCh38, 1-based): chr19:1,390,946, G>A. VCF-style: chr19-1390946-G-A. GRCh37 (hg19) VCF-style: chr19-1390945-G-A.
Other names: c.304G>A, p.Asp102Asn (NM_001363602.2); short protein forms D102N.
Identifiers: ClinVar variation 1806253 (VCV001806253.2), dbSNP rs1568992973, ClinGen allele CA402984695.
Genomic context (GRCh38, chr19:1,390,946, plus strand): 5'-ATGACCTTCGGCCTGGCCTGCTGCGCCGTGGAGATGATGCACATGGCAGCACCCCGCTAC[G>A]ACATGGACCGCTTTGGCGTGGTCTTCCGCGCCAGCCCGCGCCAGTCCGACGTCATGATCG-3'
Protein context (NP_077718.3, residues 92-112): EMMHMAAPRY[Asp102Asn]MDRFGVVFRA